The following is an entry in ClinVar:

NM_000268.4(NF2):c.878A>G (p.Asn293Ser)

Gene: NF2 (NF2, moesin-ezrin-radixin like (MERLIN) tumor suppressor; plus strand). Cytogenetic location: 22q12.2.
Variant type: single nucleotide variant.
Coding change: c.878A>G on transcript NM_000268.4 (MANE Select); coding-DNA position 878, A replaced by G.
Protein change: p.Asn293Ser; replaces asparagine 293 with serine.
Molecular consequence: missense variant. On other transcripts: non-coding transcript variant (1), intron variant (1).
Genome position (GRCh38, 1-based): chr22:29,665,057, A>G. VCF-style: chr22-29665057-A-G. GRCh37 (hg19) VCF-style: chr22-30061046-A-G.
Other names: c.764A>G, p.Asn255Ser (NM_001407053.1, NM_001407056.1); c.755A>G, p.Asn252Ser (NM_001407054.1, NM_001407058.1, NM_181829.3); c.752A>G, p.Asn251Ser (NM_001407055.1, NM_181828.3); c.743A>G, p.Asn248Ser (NM_001407057.1, NM_001407059.1); c.878A>G, p.Asn293Ser (NM_001407060.1, NM_001407066.1, NM_016418.5 and 2 more transcripts); c.620A>G, p.Asn207Ser (NM_001407062.1); c.629A>G, p.Asn210Ser (NM_001407063.1, NM_001407064.1, NM_181830.3 and 1 more transcripts); c.344A>G, p.Asn115Ser (NM_001407065.1); and 2 more; short protein forms N207S, N251S, N293S, N248S, N255S, N216S, N115S, N210S.
Identifiers: ClinVar variation 2453843 (VCV002453843.4), dbSNP rs2518624676, ClinGen allele CA411144808.

ClinVar aggregate classification (germline): Uncertain significance. Review status: criteria provided, multiple submitters, no conflicts (2 of 4 stars). 2 submissions from 2 submitters: Uncertain significance (2). Last evaluated 2024-02-10.

Conditions:
Neurofibromatosis, type 2 (SWNV). Also called: BILATERAL ACOUSTIC NEUROFIBROMATOSIS; SCHWANNOMATOSIS, VESTIBULAR; NF2-Related Schwannomatosis. Identifiers: Orphanet 637, MedGen C0027832, MONDO:0007039, OMIM 101000. Disease mechanism: loss of function.
Hereditary cancer-predisposing syndrome. Also called: Hereditary neoplastic syndrome; Hereditary Cancer Syndrome; Tumor predisposition; Neoplastic Syndromes, Hereditary. Identifiers: Orphanet 140162, MedGen C0027672, MeSH D009386, MONDO:0015356.

Allele frequency attached by ClinVar (database versions not stated): gnomAD exomes below 0.00001.
gnomAD v4.1: 1 of 1,612,496 alleles (0.000062%); highest among the groups gnomAD compares: Non-Finnish European, 0.000085%; no homozygotes.

Submissions (2):

Labcorp Genetics (formerly Invitae), Labcorp
Classification: Uncertain significance for Neurofibromatosis, type 2. Last evaluated: 2024-02-10. Review status: criteria provided, single submitter. Criteria: Invitae Variant Classification Sherloc (09022015). Collection method: clinical testing. Allele origin: germline.
Comment: This sequence change replaces asparagine, which is neutral and polar, with serine, which is neutral and polar, at codon 293 of the NF2 protein (p.Asn293Ser). This variant is not present in population databases (gnomAD no frequency). This variant has not been reported in the literature in individuals affected with NF2-related conditions. ClinVar contains an entry for this variant (Variation ID: 2453843). Advanced modeling of protein sequence and biophysical properties (such as structural, functional, and spatial information, amino acid conservation, physicochemical variation, residue mobility, and thermodynamic stability) performed at Invitae indicates that this missense variant is not expected to disrupt NF2 protein function with a negative predictive value of 80%. In summary, the available evidence is currently insufficient to determine the role of this variant in disease. Therefore, it has been classified as a Variant of Uncertain Significance.

Ambry Genetics
Classification: Uncertain significance for Hereditary cancer-predisposing syndrome. Last evaluated: 2023-02-27. Review status: criteria provided, single submitter. Criteria: Ambry Variant Classification Scheme 2023. Collection method: clinical testing. Allele origin: germline.
Comment: The p.N293S variant (also known as c.878A>G), located in coding exon 9 of the NF2 gene, results from an A to G substitution at nucleotide position 878. The asparagine at codon 293 is replaced by serine, an amino acid with highly similar properties. This amino acid position is conserved. In addition, the in silico prediction for this alteration is inconclusive. Since supporting evidence is limited at this time, the clinical significance of this alteration remains unclear.